The following is an entry in ClinVar:

ClinVar aggregate classification (germline): Benign/Likely benign. Review status: criteria provided, multiple submitters, no conflicts (2 of 4 stars). 2 submissions from 2 submitters: Benign (1); Likely benign (1). Last evaluated 2025-08-18.

Allele frequency attached by ClinVar (database versions not stated): TOPMed 0.00009; gnomAD 0.00019; ESP Exome Variant Server 0.00031; ExAC 0.00038.
gnomAD v4.1: 364 of 1,613,960 alleles (0.023%); highest among the groups gnomAD compares: South Asian, 0.25%; 3 homozygotes.

Submissions (2):

Labcorp Genetics (formerly Invitae), Labcorp
Classification: Benign. Last evaluated: 2025-08-18. Review status: criteria provided, single submitter. Criteria: Invitae Variant Classification Sherloc (09022015). Collection method: clinical testing. Allele origin: germline.

CeGaT Center for Human Genetics Tuebingen
Classification: Likely benign. Last evaluated: 2023-04-01. Review status: criteria provided, single submitter. Criteria: CeGaT Center For Human Genetics Tuebingen Variant Classification Criteria Version 2. Collection method: clinical testing. Allele origin: germline. Affected: yes. Observed: 1 variant allele.
Comment: TMEM132E: BP4, BP7

NM_001304438.2(TMEM132E):c.1941G>A (p.Thr647=)

Gene: TMEM132E (transmembrane protein 132E; plus strand). Cytogenetic location: 17q12.
Variant type: single nucleotide variant.
Coding change: c.1941G>A on transcript NM_001304438.2 (MANE Select); coding-DNA position 1941, G replaced by A.
Protein change: p.Thr647=; no amino-acid change (threonine 647 retained).
Molecular consequence: synonymous variant.
Genome position (GRCh38, 1-based): chr17:34,635,051, G>A. VCF-style: chr17-34635051-G-A. GRCh37 (hg19) VCF-style: chr17-32962070-G-A.
Identifiers: ClinVar variation 2162062 (VCV002162062.31), dbSNP rs146893987, ClinGen allele CA8496840.